The following is an entry in ClinVar:

ClinVar aggregate classification (germline): Uncertain significance. Review status: criteria provided, multiple submitters, no conflicts (2 of 4 stars). 3 submissions from 3 submitters: Uncertain significance (3). Last evaluated 2022-08-31.

Conditions:
Inborn genetic diseases. Identifiers: MedGen C0950123, MeSH D030342.

Allele frequency attached by ClinVar (database versions not stated): ExAC 0.00002; gnomAD exomes 0.00003; TOPMed 0.00005; gnomAD 0.00006 and 0.00007; ESP Exome Variant Server 0.00008.
gnomAD v4.1: 64 of 1,613,846 alleles (0.004%); highest among the groups gnomAD compares: South Asian, 0.0088%; no homozygotes.

Submissions (3):

Labcorp Genetics (formerly Invitae), Labcorp
Classification: Uncertain significance. Last evaluated: 2022-08-31. Review status: criteria provided, single submitter. Criteria: Invitae Variant Classification Sherloc (09022015). Collection method: clinical testing. Allele origin: germline.
Comment: This sequence change replaces arginine, which is basic and polar, with cysteine, which is neutral and slightly polar, at codon 647 of the ERCC2 protein (p.Arg647Cys). This variant is present in population databases (rs370377312, gnomAD 0.005%). This variant has not been reported in the literature in individuals affected with ERCC2-related conditions. ClinVar contains an entry for this variant (Variation ID: 1307820). Algorithms developed to predict the effect of missense changes on protein structure and function are either unavailable or do not agree on the potential impact of this missense change (SIFT: "Deleterious"; PolyPhen-2: "Probably Damaging"; Align-GVGD: "Class C0"). In summary, the available evidence is currently insufficient to determine the role of this variant in disease. Therefore, it has been classified as a Variant of Uncertain Significance.

Ambry Genetics
Classification: Uncertain significance for Inborn genetic diseases. Last evaluated: 2021-06-09. Review status: criteria provided, single submitter. Criteria: Ambry Variant Classification Scheme 2023. Collection method: clinical testing. Allele origin: germline.

GeneDx
Classification: Uncertain significance. Last evaluated: 2019-08-12. Review status: criteria provided, single submitter. Criteria: GeneDx Variant Classification Process June 2021. Collection method: clinical testing. Allele origin: germline. Affected: yes.
Comment: In silico analysis, which includes protein predictors and evolutionary conservation, supports a deleterious effect; Has not been previously published as pathogenic or benign to our knowledge

NM_000400.4(ERCC2):c.1939C>T (p.Arg647Cys)

Gene: ERCC2 (ERCC excision repair 2, TFIIH core complex helicase subunit; minus strand). Cytogenetic location: 19q13.32.
Variant type: single nucleotide variant.
Coding change: c.1939C>T on transcript NM_000400.4 (MANE Select); coding-DNA position 1939, C replaced by T.
Protein change: p.Arg647Cys; replaces arginine 647 with cysteine.
Molecular consequence: missense variant.
Genome position (GRCh38, 1-based): chr19:45,352,613, G>A on the plus strand (C>T on the coding strand, the complement: ERCC2 is on the minus strand). VCF-style: chr19-45352613-G-A. GRCh37 (hg19) VCF-style: chr19-45855871-G-A.
Other names: short protein forms R647C.
Identifiers: ClinVar variation 1307820 (VCV001307820.5), dbSNP rs370377312, ClinGen allele CA9512969.